The following is an entry in ClinVar:

ClinVar aggregate classification (germline): Uncertain significance (1 of 4 stars; one submission).

Submission:

Labcorp Genetics (formerly Invitae), Labcorp
Classification: Uncertain significance. Last evaluated: 2023-10-03. Review status: criteria provided, single submitter. Criteria: Invitae Variant Classification Sherloc (09022015). Collection method: clinical testing. Allele origin: germline.
Comment: This sequence change replaces asparagine, which is neutral and polar, with serine, which is neutral and polar, at codon 151 of the ERCC6 protein (p.Asn151Ser). This variant is not present in population databases (gnomAD no frequency). This variant has not been reported in the literature in individuals affected with ERCC6-related conditions. ClinVar contains an entry for this variant (Variation ID: 1955647). Advanced modeling of protein sequence and biophysical properties (such as structural, functional, and spatial information, amino acid conservation, physicochemical variation, residue mobility, and thermodynamic stability) performed at Invitae indicates that this missense variant is not expected to disrupt ERCC6 protein function. In summary, the available evidence is currently insufficient to determine the role of this variant in disease. Therefore, it has been classified as a Variant of Uncertain Significance.

NM_000124.4(ERCC6):c.452A>G (p.Asn151Ser)

Gene: ERCC6 (ERCC excision repair 6, chromatin remodeling factor; minus strand). Cytogenetic location: 10q11.23.
Variant type: single nucleotide variant.
Coding change: c.452A>G on transcript NM_000124.4 (MANE Select); coding-DNA position 452, A replaced by G.
Protein change: p.Asn151Ser; replaces asparagine 151 with serine.
Molecular consequence: missense variant.
Genome position (GRCh38, 1-based): chr10:49,530,811, T>C on the plus strand (A>G on the coding strand, the complement: ERCC6 is on the minus strand). VCF-style: chr10-49530811-T-C. GRCh37 (hg19) VCF-style: chr10-50738857-T-C.
Other names: c.452A>G, p.Asn151Ser (NM_001277058.2, NM_001277059.2, NM_001346440.2); short protein forms N151S.
Identifiers: ClinVar variation 1955647 (VCV001955647.3), dbSNP rs1564446177, ClinGen allele CA376710615.
Genomic context (GRCh38, chr10:49,530,811, plus strand): 5'-AGTTTCCTGTTGATGTCTCTGCTGGTGGCAGCTTGAGGGCTAAGCTGTTCAATAATTTTA[T>C]TGATTTGCCTTAGGGATGTCGTACATGACCTGAAAAATAAGATAAATTGTCTATTTTGCA-3'
Protein context (NP_000115.1, residues 141-161): TSCTTSLRQI[Asn151Ser]KIIEQLSPQA